The following is an entry in ClinVar:

NM_206933.4(USH2A):c.5549A>G (p.Tyr1850Cys)

Genes: USH2A (usherin; minus strand), USH2A-AS2 (USH2A antisense RNA 2; plus strand). Cytogenetic location: 1q41.
Variant type: single nucleotide variant.
Coding change: c.5549A>G on transcript NM_206933.4 (MANE Select); coding-DNA position 5549, A replaced by G.
Protein change: p.Tyr1850Cys; replaces tyrosine 1850 with cysteine.
Molecular consequence: missense variant.
Genome position (GRCh38, 1-based): chr1:216,078,112, T>C on the plus strand (A>G on the coding strand, the complement: USH2A is on the minus strand). VCF-style: chr1-216078112-T-C. GRCh37 (hg19) VCF-style: chr1-216251454-T-C.
Other names: short protein forms Y1850C.
Identifiers: ClinVar variation 939705 (VCV000939705.9), dbSNP rs2031813684, ClinGen allele CA344855668.

ClinVar aggregate classification (germline): Uncertain significance (1 of 4 stars; one submission).

Submission:

Labcorp Genetics (formerly Invitae), Labcorp
Classification: Uncertain significance. Last evaluated: 2020-07-30. Review status: criteria provided, single submitter. Criteria: Invitae Variant Classification Sherloc (09022015). Collection method: clinical testing. Allele origin: germline.
Comment: This variant has not been reported in the literature in individuals with USH2A-related conditions. This sequence change replaces tyrosine with cysteine at codon 1850 of the USH2A protein (p.Tyr1850Cys). The tyrosine residue is highly conserved and there is a large physicochemical difference between tyrosine and cysteine. This variant is not present in population databases (ExAC no frequency). Algorithms developed to predict the effect of missense changes on protein structure and function are either unavailable or do not agree on the potential impact of this missense change (SIFT: "Deleterious"; PolyPhen-2: "Benign"; Align-GVGD: "Class C0"). In summary, the available evidence is currently insufficient to determine the role of this variant in disease. Therefore, it has been classified as a Variant of Uncertain Significance.